The following is an entry in ClinVar:

NM_000238.4(KCNH2):c.553G>A (p.Ala185Thr)

Gene: KCNH2 (potassium voltage-gated channel subfamily H member 2; minus strand). Cytogenetic location: 7q36.1.
Variant type: single nucleotide variant.
Coding change: c.553G>A on transcript NM_000238.4 (MANE Select); coding-DNA position 553, G replaced by A.
Protein change: p.Ala185Thr; replaces alanine 185 with threonine.
Molecular consequence: missense variant.
Genome position (GRCh38, 1-based): chr7:150,958,422, C>T on the plus strand (G>A on the coding strand, the complement: KCNH2 is on the minus strand). VCF-style: chr7-150958422-C-T. GRCh37 (hg19) VCF-style: chr7-150655510-C-T.
Other names: c.265G>A, p.Ala89Thr (NM_001406753.1, NM_001406756.1); c.376G>A, p.Ala126Thr (NM_001406755.1); c.253G>A, p.Ala85Thr (NM_001406757.1); c.553G>A, p.Ala185Thr (NM_172056.3); short protein forms A185T, A89T, A126T, A85T.
Identifiers: ClinVar variation 1516873 (VCV001516873.13), dbSNP rs2117006639, ClinGen allele CA369863335.
Genomic context (GRCh38, chr7:150,958,422, plus strand): 5'-GTGCCGCGGGCGTCAGGTCCACGTCCACCACCACGGCCCCCGGGGCGCCCGCGCCGCCCG[C>T]GCCGCCCGACCGCACCGACGACTCCCGGGCCGTCAGCGCCAGCAGCGCGGGCAGCTTCAG-3'
Protein context (NP_000229.1, residues 175-195): ARESSVRSGG[Ala185Thr]GGAGAPGAVV

ClinVar aggregate classification (germline): Uncertain significance. Review status: criteria provided, multiple submitters, no conflicts (2 of 4 stars). 3 submissions from 3 submitters: Uncertain significance (3). Last evaluated 2025-09-11.

Conditions:
Cardiovascular phenotype. Identifiers: MedGen CN230736.
Short QT syndrome type 1. Identifiers: Orphanet 51083, MedGen C1865020, MONDO:0012312, OMIM 609620.
Long QT syndrome 2 (LQT2). Identifiers: Orphanet 101016, Orphanet 768, MedGen C3150943, MONDO:0013367, OMIM 613688.
Long QT syndrome (LQTS). Identifiers: MedGen C0023976, MeSH D008133, MONDO:0002442. Disease mechanism: loss of function. Inheritance: Various modes of inheritance.

Allele frequency attached by ClinVar (database versions not stated): gnomAD exomes below 0.00001.
gnomAD v4.1: 1 of 1,443,036 alleles (0.000069%); highest among the groups gnomAD compares: Non-Finnish European, 0.00009%; no homozygotes.

Submissions (3):

Ambry Genetics
Classification: Uncertain significance for Cardiovascular phenotype. Last evaluated: 2025-09-11. Review status: criteria provided, single submitter. Criteria: Ambry Variant Classification Scheme 2023. Collection method: clinical testing. Allele origin: germline.
Comment: The p.A185T variant (also known as c.553G>A), located in coding exon 4 of the KCNH2 gene, results from a G to A substitution at nucleotide position 553. The alanine at codon 185 is replaced by threonine, an amino acid with similar properties. This amino acid position is poorly conserved in available vertebrate species. In addition, this alteration is predicted to be tolerated by in silico analysis. Since supporting evidence is limited at this time, the clinical significance of this alteration remains unclear.

Labcorp Genetics (formerly Invitae), Labcorp
Classification: Uncertain significance for Long QT syndrome. Last evaluated: 2023-10-13. Review status: criteria provided, single submitter. Criteria: Invitae Variant Classification Sherloc (09022015). Collection method: clinical testing. Allele origin: germline.
Comment: This sequence change replaces alanine, which is neutral and non-polar, with threonine, which is neutral and polar, at codon 185 of the KCNH2 protein (p.Ala185Thr). This variant is not present in population databases (gnomAD no frequency). This variant has not been reported in the literature in individuals affected with KCNH2-related conditions. ClinVar contains an entry for this variant (Variation ID: 1516873). Algorithms developed to predict the effect of missense changes on protein structure and function output the following: SIFT: "Not Available"; PolyPhen-2: "Benign"; Align-GVGD: "Not Available". The threonine amino acid residue is found in multiple mammalian species, which suggests that this missense change does not adversely affect protein function. In summary, the available evidence is currently insufficient to determine the role of this variant in disease. Therefore, it has been classified as a Variant of Uncertain Significance.

Fulgent Genetics
Classification: Uncertain significance for Short QT syndrome type 1; Long QT syndrome 2. Last evaluated: 2021-08-30. Review status: criteria provided, single submitter. Criteria: ACMG Guidelines, 2015. Collection method: clinical testing. Allele origin: unknown.